The following is an entry in ClinVar:

NM_007194.4(CHEK2):c.830del (p.Ile276_Leu277insTer)

Gene: CHEK2 (checkpoint kinase 2; minus strand). Cytogenetic location: 22q12.1.
Variant type: Deletion.
Coding change: c.830del on transcript NM_007194.4 (MANE Select); coding-DNA position 830, one base deleted (T; older notation c.830delT).
Protein change: p.Ile276_Leu277insTer.
Molecular consequence: nonsense. On other transcripts: frameshift variant (4).
Genome position (GRCh38, 1-based): chr22:28,710,022, A deleted on the plus strand (T on the coding strand, the reverse complement: CHEK2 is on the minus strand); the first of 4 consecutive A bases (chr22:28,710,022-28,710,025); deleting any one gives the same sequence. VCF-style (leftmost placement, unchanged base first): chr22-28710021-CA-C. GRCh37 (hg19) VCF-style: chr22-29106009-CA-C.
Other names: c.956delT, p.Leu320Terfs (NM_001005735.3); c.164delT, p.Leu56Terfs (NM_001257387.3); c.626delT, p.Leu210Terfs (NM_001349956.3); c.827delT, p.Leu277Terfs (NM_145862.3).
Identifiers: ClinVar variation 2583423 (VCV002583423.2), dbSNP rs1569137812, ClinGen allele CA2582342753.
Genomic context (GRCh38, chr22:28,710,021, plus strand): 5'-TTTGAGATAGATAAATCTAAGTATGAGTCATATAATAATACTTACATGATTTAGCTTTTT[CA>C]AAATTTCTATTTCTGTTTCAACATTGAGAGCTGGGTCCTTTGATAAACAGAATAACAGAG-3'

ClinVar aggregate classification (germline): Pathogenic (1 of 4 stars; one submission).

Conditions:
Familial cancer of breast. Also called: Hereditary breast cancer; BREAST CANCER, FAMILIAL; hereditary breast carcinoma. Identifiers: Orphanet 227535, MedGen C0346153, MONDO:0016419, OMIM 114480. Disease mechanism: loss of function.

Submission:

Myriad Genetics, Inc.
Classification: Pathogenic for Familial cancer of breast. Last evaluated: 2023-06-27. Review status: criteria provided, single submitter. Criteria: Myriad Autosomal Dominant, Autosomal Recessive and X-Linked Classification Criteria (2023). Collection method: clinical testing. Allele origin: unknown.
Comment: This variant is considered pathogenic. This variant creates a termination codon and is predicted to result in premature protein truncation.